The following is an entry in ClinVar:

NM_004006.3(DMD):c.6662del (p.Asn2221fs)

Gene: DMD (dystrophin; minus strand). Cytogenetic location: Xp21.1.
Variant type: Deletion.
Coding change: c.6662del on transcript NM_004006.3 (MANE Select); coding-DNA position 6662, one base deleted (A; older notation c.6662delA).
Protein change: p.Asn2221fs; shifts the reading frame from asparagine 2221.
Molecular consequence: frameshift variant. On other transcripts: 5 prime UTR variant (5).
Genome position (GRCh38, 1-based): chrX:31,932,180, T deleted on the plus strand (A on the coding strand, the reverse complement: DMD is on the minus strand); the first of 3 consecutive T bases (chrX:31,932,180-31,932,182); deleting any one gives the same sequence. VCF-style (leftmost placement, unchanged base first): chrX-31932179-AT-A. GRCh37 (hg19) VCF-style: chrX-31950296-AT-A.
Other names: c.6662delA (NM_004006.2); c.6638del, p.Asn2213fs (NM_000109.4); c.6650del, p.Asn2217fs (NM_004009.3); c.6293del, p.Asn2098fs (NM_004010.3); c.2639del, p.Asn880fs (NM_004011.4); c.2630del, p.Asn877fs (NM_004012.4); c.-719del (NM_004013.3, NM_004020.4, NM_004021.3 and 2 more transcripts); short protein forms N2217fs, N2098fs, N880fs, N2213fs, N2221fs, N877fs.
Identifiers: ClinVar variation 409888 (VCV000409888.7), dbSNP rs1060502620, ClinGen allele CA16616495.
Genomic context (GRCh38, chrX:31,932,179, plus strand): 5'-TCCAGGTTCAAGTGGGATACTAGCAATGTTATCTGCTTCCTCCAACCATAAAACAAATTC[AT>A]TTAAATCTCTTTGAAATTCTGACAAGATATTCTTTTGTTCTTCTAGCCTGGAGAAAGAAG-3'

ClinVar aggregate classification (germline): Pathogenic (1 of 4 stars; one submission).

Conditions:
Duchenne muscular dystrophy (DMD). Also called: MUSCULAR DYSTROPHY, PSEUDOHYPERTROPHIC PROGRESSIVE, DUCHENNE TYPE; Duchenne Muscular Dystrophy (DMD). Identifiers: Orphanet 98896, MedGen C0013264, MONDO:0010679, OMIM 310200.

Submission:

Labcorp Genetics (formerly Invitae), Labcorp
Classification: Pathogenic for Duchenne muscular dystrophy. Last evaluated: 2018-01-11. Review status: criteria provided, single submitter. Criteria: Invitae Variant Classification Sherloc (09022015). Collection method: clinical testing. Allele origin: germline.
Comment: For these reasons, this variant has been classified as Pathogenic. Loss-of-function variants in DMD are known to be pathogenic (PMID: 16770791, 25007885). This variant has not been reported in the literature in individuals with DMD-related disease. ClinVar contains an entry for this variant (Variation ID: 409888). This variant is not present in population databases (ExAC no frequency). This sequence change creates a premature translational stop signal (p.Asn2221Metfs*26) in the DMD gene. It is expected to result in an absent or disrupted protein product.

Literature cited by the submitters: PubMed 16770791; PubMed 25007885.